The following is an entry in ClinVar:

ClinVar aggregate classification (germline): Uncertain significance (1 of 4 stars; one submission).

gnomAD v4.1: 5 of 1,614,062 alleles (0.00031%); highest among the groups gnomAD compares: East Asian, 0.0089%; no homozygotes.

Submission:

Labcorp Genetics (formerly Invitae), Labcorp
Classification: Uncertain significance. Last evaluated: 2025-03-20. Review status: criteria provided, single submitter. Criteria: Invitae Variant Classification Sherloc (09022015). Collection method: clinical testing. Allele origin: germline.
Comment: This sequence change replaces valine, which is neutral and non-polar, with methionine, which is neutral and non-polar, at codon 1100 of the POLR1A protein (p.Val1100Met). This variant is present in population databases (rs759256365, gnomAD 0.02%). This variant has not been reported in the literature in individuals affected with POLR1A-related conditions. Invitae Evidence Modeling of protein sequence and biophysical properties (such as structural, functional, and spatial information, amino acid conservation, physicochemical variation, residue mobility, and thermodynamic stability) indicates that this missense variant is not expected to disrupt POLR1A protein function with a negative predictive value of 80%. In summary, the available evidence is currently insufficient to determine the role of this variant in disease. Therefore, it has been classified as a Variant of Uncertain Significance.

NM_015425.6(POLR1A):c.3298G>A (p.Val1100Met)

Gene: POLR1A (RNA polymerase I subunit A; minus strand). Cytogenetic location: 2p11.2.
Variant type: single nucleotide variant.
Coding change: c.3298G>A on transcript NM_015425.6 (MANE Select); coding-DNA position 3298, G replaced by A.
Protein change: p.Val1100Met; replaces valine 1100 with methionine.
Molecular consequence: missense variant.
Genome position (GRCh38, 1-based): chr2:86,043,033, C>T on the plus strand (G>A on the coding strand, the complement: POLR1A is on the minus strand). VCF-style: chr2-86043033-C-T. GRCh37 (hg19) VCF-style: chr2-86270156-C-T.
Other names: short protein forms V1100M.
Identifiers: ClinVar variation 4764007 (VCV004764007.1).
Genomic context (GRCh38, chr2:86,043,033, plus strand): 5'-CCTCCTGAGTCCCAGGGCTGCGGCCATTGCGGTTTTCACTCTCAAGTTTCAGGGCTTTCA[C>T]AGCTTCCTGAATTTTCTGGGAATAACTCAAGAAGGCGCCTCTTCTCAGCAGGGTGTTGGG-3'
Protein context (NP_056240.2, residues 1090-1110): LSYSQKIQEA[Val1100Met]KALKLESENR